The following is an entry in ClinVar:

ClinVar aggregate classification (germline): Uncertain significance (1 of 4 stars; one submission).

Conditions:
Congenital contractural arachnodactyly (CCA). Also called: BEALS SYNDROME; Arthrogryposis, distal, type 9; Beals-Hecht syndrome. Identifiers: Orphanet 115, MedGen C0220668, MONDO:0007363, OMIM 121050.

Submission:

Labcorp Genetics (formerly Invitae), Labcorp
Classification: Uncertain significance for Congenital contractural arachnodactyly. Last evaluated: 2019-06-14. Review status: criteria provided, single submitter. Criteria: Invitae Variant Classification Sherloc (09022015). Collection method: clinical testing. Allele origin: germline.
Comment: This sequence change replaces cysteine with tyrosine at codon 682 of the FBN2 protein (p.Cys682Tyr). The cysteine residue is highly conserved and there is a large physicochemical difference between cysteine and tyrosine. This variant is not present in population databases (ExAC no frequency). Algorithms developed to predict the effect of missense changes on protein structure and function are either unavailable or do not agree on the potential impact of this missense change (SIFT: "Deleterious"; PolyPhen-2: "Probably Damaging"; Align-GVGD: "Class C0"). In summary, the available evidence is currently insufficient to determine the role of this variant in disease. Therefore, it has been classified as a Variant of Uncertain Significance.

NM_001999.4(FBN2):c.2045G>A (p.Cys682Tyr)

Gene: FBN2 (fibrillin 2; minus strand). Cytogenetic location: 5q23.3.
Variant type: single nucleotide variant.
Coding change: c.2045G>A on transcript NM_001999.4 (MANE Select); coding-DNA position 2045, G replaced by A.
Protein change: p.Cys682Tyr; replaces cysteine 682 with tyrosine.
Molecular consequence: missense variant.
Genome position (GRCh38, 1-based): chr5:128,374,678, C>T on the plus strand (G>A on the coding strand, the complement: FBN2 is on the minus strand). VCF-style: chr5-128374678-C-T. GRCh37 (hg19) VCF-style: chr5-127710371-C-T.
Other names: short protein forms C682Y.
Identifiers: ClinVar variation 948746 (VCV000948746.10), dbSNP rs1752034896, ClinGen allele CA360740299.